The following is an entry in ClinVar:

NM_030665.4(RAI1):c.3923C>T (p.Ala1308Val)

Gene: RAI1 (retinoic acid induced 1; plus strand). Cytogenetic location: 17p11.2.
Variant type: single nucleotide variant.
Coding change: c.3923C>T on transcript NM_030665.4 (MANE Select); coding-DNA position 3923, C replaced by T.
Protein change: p.Ala1308Val; replaces alanine 1308 with valine.
Molecular consequence: missense variant.
Genome position (GRCh38, 1-based): chr17:17,796,871, C>T. VCF-style: chr17-17796871-C-T. GRCh37 (hg19) VCF-style: chr17-17700185-C-T.
Other names: short protein forms A1308V.
Identifiers: ClinVar variation 1352114 (VCV001352114.8), dbSNP rs749240031, ClinGen allele CA8418867.

ClinVar aggregate classification (germline): Uncertain significance (1 of 4 stars; one submission).

Allele frequency attached by ClinVar (database versions not stated): gnomAD 0.00001; TOPMed 0.00001; ExAC 0.00002; gnomAD exomes 0.00002.
gnomAD v4.1: 25 of 1,612,978 alleles (0.0015%); highest among the groups gnomAD compares: Non-Finnish European, 0.002%; no homozygotes.

Submission:

Labcorp Genetics (formerly Invitae), Labcorp
Classification: Uncertain significance. Last evaluated: 2021-04-12. Review status: criteria provided, single submitter. Criteria: Invitae Variant Classification Sherloc (09022015). Collection method: clinical testing. Allele origin: germline.
Comment: In summary, the available evidence is currently insufficient to determine the role of this variant in disease. Therefore, it has been classified as a Variant of Uncertain Significance. Algorithms developed to predict the effect of sequence changes on RNA splicing suggest that this variant may create or strengthen a splice site, but this prediction has not been confirmed by published transcriptional studies. Algorithms developed to predict the effect of missense changes on protein structure and function output the following: SIFT: "Deleterious"; PolyPhen-2: "Benign"; Align-GVGD: "Class C0". The valine amino acid residue is found in multiple mammalian species, suggesting that this missense change does not adversely affect protein function. These predictions have not been confirmed by published functional studies and their clinical significance is uncertain. This variant has not been reported in the literature in individuals with RAI1-related conditions. This variant is present in population databases (rs749240031, ExAC 0.003%). This sequence change replaces alanine with valine at codon 1308 of the RAI1 protein (p.Ala1308Val). The alanine residue is moderately conserved and there is a small physicochemical difference between alanine and valine.